The following is an entry in ClinVar:

NM_007103.4(NDUFV1):c.156G>T (p.Arg52Ser)

Gene: NDUFV1 (NADH:ubiquinone oxidoreductase core subunit V1; plus strand). Cytogenetic location: 11q13.2.
Variant type: single nucleotide variant.
Coding change: c.156G>T on transcript NM_007103.4 (MANE Select); coding-DNA position 156, G replaced by T.
Protein change: p.Arg52Ser; replaces arginine 52 with serine.
Molecular consequence: missense variant.
Genome position (GRCh38, 1-based): chr11:67,608,552, G>T. VCF-style: chr11-67608552-G-T. GRCh37 (hg19) VCF-style: chr11-67376023-G-T.
Other names: c.129G>T, p.Arg43Ser (NM_001166102.2); short protein forms R43S, R52S.
Identifiers: ClinVar variation 1559627 (VCV001559627.11), dbSNP rs199609729, ClinGen allele CA6143103.

ClinVar aggregate classification (germline): Conflicting classifications of pathogenicity. Review status: criteria provided, conflicting classifications (1 of 4 stars). 3 submissions from 3 submitters: Uncertain significance (1); Likely benign (2). Last evaluated 2026-01-28.

Allele frequency attached by ClinVar (database versions not stated): gnomAD 0.00007 and 0.00008; ExAC 0.00028; gnomAD exomes 0.00029; 1000 Genomes Project 30x 0.00031; 1000 Genomes Project 0.00040.
gnomAD v4.1: 129 of 1,614,198 alleles (0.008%); highest among the groups gnomAD compares: East Asian, 0.27%; no homozygotes.

Submissions (4):

Labcorp Genetics (formerly Invitae), Labcorp
Classification: Likely benign. Last evaluated: 2026-01-28. Review status: criteria provided, single submitter. Criteria: Invitae Variant Classification Sherloc (09022015). Collection method: clinical testing. Allele origin: germline.

Blueprint Genetics
Classification: Uncertain significance. Last evaluated: 2024-09-18. Review status: criteria provided, single submitter. Criteria: ACMG Guidelines, 2015. Collection method: clinical testing. Allele origin: germline.

Women's Health and Genetics/Laboratory Corporation of America, LabCorp
Classification: Likely benign. Last evaluated: 2022-06-10. Review status: criteria provided, single submitter. Criteria: LabCorp Variant Classification Summary - May 2015. Collection method: clinical testing. Allele origin: germline.
Comment: Variant summary: NDUFV1 c.156G>T (p.Arg52Ser) results in a non-conservative amino acid change in the encoded protein sequence. Three of five in-silico tools predict a benign effect of the variant on protein function. 4/4 computational tools predict no significant impact on normal splicing, however, these predictions have yet to be confirmed by functional studies. The variant allele was found at a frequency of 0.00029 in 251496 control chromosomes (gnomAD), predominantly at a frequency of 0.0039 within the East Asian subpopulation in the gnomAD database. The observed variant frequency within East Asian control individuals in the gnomAD database is approximately 3 fold of the estimated maximal expected allele frequency for a pathogenic variant in NDUFV1 causing Leigh Syndrome (0.0013), strongly suggesting that the variant is a benign polymorphism found primarily in populations of East Asian origin. To our knowledge, no occurrence of c.156G>T in individuals affected with Leigh Syndrome and no experimental evidence demonstrating its impact on protein function have been reported. One ClinVar submitter has assessed the variant since 2014: the variant was classified as likely benign. Based on the evidence outlined above, the variant was classified as likely benign.

Dr. Peter K. Rogan Lab, Western University
No classification provided (evidence only). Condition: Hepatocellular carcinoma. Review status: no classification provided. Collection method: in vitro. Allele origin: not applicable. Functional consequence: retained intron. Not counted in ClinVar's aggregate classification.